The following is an entry in ClinVar:

NM_000388.4(CASR):c.2237C>T (p.Ala746Val)

Gene: CASR (calcium sensing receptor; plus strand). Cytogenetic location: 3q21.1.
Variant type: single nucleotide variant.
Coding change: c.2237C>T on transcript NM_000388.4 (MANE Select); coding-DNA position 2237, C replaced by T.
Protein change: p.Ala746Val; replaces alanine 746 with valine.
Molecular consequence: missense variant.
Genome position (GRCh38, 1-based): chr3:122,284,191, C>T. VCF-style: chr3-122284191-C-T. GRCh37 (hg19) VCF-style: chr3-122003038-C-T.
Other names: c.2267C>T, p.Ala756Val (NM_001178065.2); c.2267C>T (NM_001178065.1); short protein forms A746V, A756V.
Identifiers: ClinVar variation 463921 (VCV000463921.15), dbSNP rs139417576, ClinGen allele CA2569800.

ClinVar aggregate classification (germline): Conflicting classifications of pathogenicity. Review status: criteria provided, conflicting classifications (1 of 4 stars). 5 submissions from 5 submitters: Uncertain significance (3); Likely benign (1). 1 of the submissions does not count toward it. Last evaluated 2025-11-19.

Conditions:
Familial hypocalciuric hypercalcemia (FHH). Also called: Familial benign hypercalcemia. Identifiers: Orphanet 405, MedGen C1809471, MONDO:0018458.
Autosomal dominant hypocalcemia 1 (HYPOC1). Also called: HYPOCALCEMIA, FAMILIAL. Identifiers: MedGen C3715128, MONDO:0011013, OMIM 601198.
CASR-related disorder. Also called: CASR-related condition.
Nephrolithiasis/nephrocalcinosis. Identifiers: MedGen CN580796.

Allele frequency attached by ClinVar (database versions not stated): gnomAD exomes 0.00001 and 0.00003; ExAC 0.00005; ESP Exome Variant Server 0.00015; gnomAD 0.00019 and 0.00021; TOPMed 0.00023; 1000 Genomes Project 30x 0.00031; 1000 Genomes Project 0.00040.
gnomAD v4.1: 45 of 1,613,934 alleles (0.0028%); highest among the groups gnomAD compares: African/African-American, 0.053%; no homozygotes.

Submissions (5):

Labcorp Genetics (formerly Invitae), Labcorp
Classification: Uncertain significance for Familial hypocalciuric hypercalcemia; Autosomal dominant hypocalcemia 1. Last evaluated: 2025-11-19. Review status: criteria provided, single submitter. Criteria: Invitae Variant Classification Sherloc (09022015). Collection method: clinical testing. Allele origin: germline.
Comment: This sequence change replaces alanine, which is neutral and non-polar, with valine, which is neutral and non-polar, at codon 746 of the CASR protein (p.Ala746Val). This variant is present in population databases (rs139417576, gnomAD 0.05%). This missense change has been observed in individual(s) with familial hypocalciuric hypercalcemia (PMID: 26963950, 31672324). ClinVar contains an entry for this variant (Variation ID: 463921). An algorithm developed to predict the effect of missense changes on protein structure and function (PolyPhen-2) suggests that this variant is likely to be tolerated. In summary, the available evidence is currently insufficient to determine the role of this variant in disease. Therefore, it has been classified as a Variant of Uncertain Significance.

ARUP Laboratories, Molecular Genetics and Genomics, ARUP Laboratories
Classification: Uncertain significance. Last evaluated: 2024-05-15. Review status: criteria provided, single submitter. Criteria: ARUP Molecular Germline Variant Investigation Process 2024. Collection method: clinical testing. Allele origin: germline.
Comment: The CASR c.2237C>T; p.Ala746Val variant (rs139417576; ClinVar ID: 463921) is reported in the literature in several individuals affected with hypercalcemia hypocalciuria (Hureaux 2019, Vargas-Poussou 2016). This variant is found in the African population with an allele frequency of 0.05% (12/24,832 alleles) in the Genome Aggregation Database (v2.1.1). Computational analyses are uncertain whether this variant is neutral or deleterious (REVEL: 0.652). Due to limited information, the clinical significance of this variant is uncertain at this time. References: Hureaux M et al. High-throughput sequencing contributes to the diagnosis of tubulopathies and familial hypercalcemia hypocalciuria in adults. Kidney Int. 2019 Dec;96(6):1408-1416. PMID: 31672324. Vargas-Poussou R et al. Familial Hypocalciuric Hypercalcemia Types 1 and 3 and Primary Hyperparathyroidism: Similarities and Differences. J Clin Endocrinol Metab. 2016 May;101(5):2185-95. PMID: 26963950.

Women's Health and Genetics/Laboratory Corporation of America, LabCorp
Classification: Uncertain significance. Last evaluated: 2023-09-22. Review status: criteria provided, single submitter. Criteria: LabCorp Variant Classification Summary - May 2015. Collection method: clinical testing. Allele origin: germline.
Comment: Variant summary: CASR c.2237C>T (p.Ala746Val) results in a non-conservative amino acid change located in the GPCR family 3, C-terminal domain (IPR017978) of the encoded protein sequence. Five of five in-silico tools predict a damaging effect of the variant on protein function. The variant allele was found at a frequency of 4.3e-05 in 281788 control chromosomes. The observed variant frequency is approximately 3.41 fold of the estimated maximal expected allele frequency for a pathogenic variant in CASR causing Familial Hypocalciuric Hypercalcemia phenotype (1.3e-05), suggesting that the variant is benign. c.2237C>T has been reported in the literature in at-least two individuals affected with Familial Hypocalciuric Hypercalcemia (example, Vargas-Poussou_2016, Hureaux_2019). These data indicate that the variant may be associated with disease. To our knowledge, no experimental evidence demonstrating an impact on protein function has been reported. The following publications have been ascertained in the context of this evaluation (PMID: 31189130, 31672324, 26963950, 34088669). Two submitters have cited clinical-significance assessments for this variant to ClinVar after 2014. One submitter classified the variant as likely benign, and one submitter classified the variant as uncertain significance. Based on the evidence outlined above, the variant was classified as VUS-possibly benign.

Ambry Genetics
Classification: Likely benign for Nephrolithiasis/nephrocalcinosis. Last evaluated: 2023-02-23. Review status: criteria provided, single submitter. Criteria: Ambry Variant Classification Scheme 2023. Collection method: clinical testing. Allele origin: germline.

PreventionGenetics, part of Exact Sciences
Classification: Uncertain significance for CASR-related condition. Last evaluated: 2024-06-27. Review status: no assertion criteria provided. Collection method: clinical testing. Allele origin: germline. Not counted in ClinVar's aggregate classification.
Comment: The CASR c.2267C>T variant is predicted to result in the amino acid substitution p.Ala756Val. This variant, described as c.2237C>T (p.Ala746Val) in an alternate transcript (NM_000388.3), has been reported in at least one individual with familial hypocalciuric hypercalcemia (Table 1, Vargas-Poussou R et al. 2016. PubMed ID: 26963950; Supplementary Table S1, Hureaux M et al. 2019. PubMed ID: 31672324). This variant is reported in 0.048% of alleles in individuals of African descent in gnomAD. At this time, the clinical significance of this variant is uncertain due to the absence of conclusive functional and genetic evidence.

Literature cited by the submitters: PubMed 26963950 (cited by 3 submitters); PubMed 31672324 (cited by 3 submitters); PubMed 31189130 (cited by Women's Health and Genetics/Laboratory Corporation of America, LabCorp); PubMed 34088669 (cited by Women's Health and Genetics/Laboratory Corporation of America, LabCorp).